The following is an entry in ClinVar:

ClinVar aggregate classification (germline): Uncertain significance (1 of 4 stars; one submission).

Submission:

Labcorp Genetics (formerly Invitae), Labcorp
Classification: Uncertain significance. Last evaluated: 2023-11-14. Review status: criteria provided, single submitter. Criteria: Invitae Variant Classification Sherloc (09022015). Collection method: clinical testing. Allele origin: germline.
Comment: This sequence change replaces cysteine, which is neutral and slightly polar, with phenylalanine, which is neutral and non-polar, at codon 239 of the EPHB4 protein (p.Cys239Phe). This variant is not present in population databases (gnomAD no frequency). This variant has not been reported in the literature in individuals affected with EPHB4-related conditions. Advanced modeling of protein sequence and biophysical properties (such as structural, functional, and spatial information, amino acid conservation, physicochemical variation, residue mobility, and thermodynamic stability) performed at Invitae indicates that this missense variant is expected to disrupt EPHB4 protein function with a positive predictive value of 80%. In summary, the available evidence is currently insufficient to determine the role of this variant in disease. Therefore, it has been classified as a Variant of Uncertain Significance.

NM_004444.5(EPHB4):c.716G>T (p.Cys239Phe)

Gene: EPHB4 (EPH receptor B4; minus strand). Cytogenetic location: 7q22.1.
Variant type: single nucleotide variant.
Coding change: c.716G>T on transcript NM_004444.5 (MANE Select); coding-DNA position 716, G replaced by T.
Protein change: p.Cys239Phe; replaces cysteine 239 with phenylalanine.
Molecular consequence: missense variant.
Genome position (GRCh38, 1-based): chr7:100,822,363, C>A on the plus strand (G>T on the coding strand, the complement: EPHB4 is on the minus strand). VCF-style: chr7-100822363-C-A. GRCh37 (hg19) VCF-style: chr7-100419985-C-A.
Other names: short protein forms C239F.
Identifiers: ClinVar variation 2695758 (VCV002695758.3), dbSNP rs2485044932, ClinGen allele CA368580164.